The following is an entry in ClinVar:

NM_015275.3(WASHC4):c.2700A>C (p.Gly900=)

Gene: WASHC4 (WASH complex subunit 4; plus strand). Cytogenetic location: 12q23.3.
Variant type: single nucleotide variant.
Coding change: c.2700A>C on transcript NM_015275.3 (MANE Select); coding-DNA position 2700, A replaced by C.
Protein change: p.Gly900=; no amino-acid change (glycine 900 retained).
Molecular consequence: synonymous variant.
Genome position (GRCh38, 1-based): chr12:105,152,393, A>C. VCF-style: chr12-105152393-A-C. GRCh37 (hg19) VCF-style: chr12-105546171-A-C.
Other names: c.2703A>C, p.Gly901= (NM_001293640.2).
Identifiers: ClinVar variation 435582 (VCV000435582.45), dbSNP rs202242349, ClinGen allele CA6759018.

ClinVar aggregate classification (germline): Likely benign. Review status: criteria provided, multiple submitters, no conflicts (2 of 4 stars). 5 submissions from 5 submitters: Likely benign (5). Last evaluated 2026-06-01.

Allele frequency attached by ClinVar (database versions not stated): 1000 Genomes Project 0.00040; 1000 Genomes Project 30x 0.00047; ExAC 0.00132; gnomAD exomes 0.00144 and 0.00261; gnomAD 0.00149 and 0.00150; TOPMed 0.00155.
gnomAD v4.1: 4,011 of 1,607,930 alleles (0.25%); highest among the groups gnomAD compares: Non-Finnish European, 0.31%; 8 homozygotes.

Submissions (5):

CeGaT Center for Human Genetics Tuebingen
Classification: Likely benign. Last evaluated: 2026-06-01. Review status: criteria provided, single submitter. Criteria: CeGaT Center For Human Genetics Tuebingen Variant Classification Criteria Version 2. Collection method: clinical testing. Allele origin: germline. Affected: yes. Observed: 8 variant alleles.
Comment: WASHC4: BP4, BS2

Blueprint Genetics
Classification: Likely benign. Last evaluated: 2024-11-21. Review status: criteria provided, single submitter. Criteria: ACMG Guidelines, 2015. Collection method: clinical testing. Allele origin: germline.

Labcorp Genetics (formerly Invitae), Labcorp
Classification: Likely benign. Last evaluated: 2018-07-06. Review status: criteria provided, single submitter. Criteria: Invitae Variant Classification Sherloc (09022015). Collection method: clinical testing. Allele origin: germline.

Genetic Services Laboratory, University of Chicago
Classification: Likely benign. Last evaluated: 2016-12-02. Review status: criteria provided, single submitter. Criteria: ACMG Guidelines, 2015. Collection method: clinical testing. Allele origin: germline. Affected: no.

Breakthrough Genomics
Classification: Likely benign. Review status: criteria provided, single submitter. Criteria: ACMG Guidelines, 2015. Collection method: not provided. Allele origin: germline. Inheritance: Autosomal recessive inheritance. Affected: yes.